The following is an entry in ClinVar:

ClinVar aggregate classification (germline): Uncertain significance (1 of 4 stars; one submission).

Submission:

Labcorp Genetics (formerly Invitae), Labcorp
Classification: Uncertain significance. Last evaluated: 2025-12-16. Review status: criteria provided, single submitter. Criteria: Invitae Variant Classification Sherloc (09022015). Collection method: clinical testing. Allele origin: germline.
Comment: This sequence change replaces phenylalanine, which is neutral and non-polar, with leucine, which is neutral and non-polar, at codon 526 of the CFH protein (p.Phe526Leu). This variant is not present in population databases (gnomAD no frequency). This variant has not been reported in the literature in individuals affected with CFH-related conditions. An algorithm developed to predict the effect of missense changes on protein structure and function outputs the following: PolyPhen-2: "Benign". The leucine amino acid residue is found in multiple mammalian species, which suggests that this missense change does not adversely affect protein function. In summary, the available evidence is currently insufficient to determine the role of this variant in disease. Therefore, it has been classified as a Variant of Uncertain Significance.

NM_000186.4(CFH):c.1576T>C (p.Phe526Leu)

Gene: CFH (complement factor H; plus strand). Cytogenetic location: 1q31.3.
Variant type: single nucleotide variant.
Coding change: c.1576T>C on transcript NM_000186.4 (MANE Select); coding-DNA position 1576, T replaced by C.
Protein change: p.Phe526Leu; replaces phenylalanine 526 with leucine.
Molecular consequence: missense variant.
Genome position (GRCh38, 1-based): chr1:196,715,649, T>C. VCF-style: chr1-196715649-T-C. GRCh37 (hg19) VCF-style: chr1-196684779-T-C.
Other names: short protein forms F526L.
Identifiers: ClinVar variation 4779984 (VCV004779984.1).
Genomic context (GRCh38, chr1:196,715,649, plus strand): 5'-CTAGAATCTTGTGATATCCCAGTATTTATGAATGCCAGAACTAAAAATGACTTCACATGG[T>C]TTAAGCTGAATGACACATTGGACTATGAATGCCATGATGGTTATGAAAGCAATACTGGAA-3'
Protein context (NP_000177.2, residues 516-536): NARTKNDFTW[Phe526Leu]KLNDTLDYEC